The following is an entry in ClinVar:

NM_002617.4(PEX10):c.479T>C (p.Leu160Pro)

Gene: PEX10 (peroxisomal biogenesis factor 10; minus strand). Cytogenetic location: 1p36.32.
Variant type: single nucleotide variant.
Coding change: c.479T>C on transcript NM_002617.4 (MANE Select); coding-DNA position 479, T replaced by C.
Protein change: p.Leu160Pro; replaces leucine 160 with proline.
Molecular consequence: missense variant. On other transcripts: non-coding transcript variant (1).
Genome position (GRCh38, 1-based): chr1:2,408,573, A>G on the plus strand (T>C on the coding strand, the complement: PEX10 is on the minus strand). VCF-style: chr1-2408573-A-G. GRCh37 (hg19) VCF-style: chr1-2340012-A-G.
Other names: c.479T>C, p.Leu160Pro (NM_001374425.1, NM_153818.2); c.47T>C, p.Leu16Pro (NM_001374426.1, NM_001374427.1); short protein forms L160P, L16P.
Identifiers: ClinVar variation 1404912 (VCV001404912.3), dbSNP rs199877853, ClinGen allele CA16945878.

ClinVar aggregate classification (germline): Uncertain significance (1 of 4 stars; one submission).

Conditions:
Peroxisome biogenesis disorder, complementation group 7 (CG7). Also called: Peroxisome biogenesis disorder, complementation group B. Identifiers: MedGen C1864399.

Allele frequency attached by ClinVar (database versions not stated): gnomAD exomes below 0.00001.

Submission:

Labcorp Genetics (formerly Invitae), Labcorp
Classification: Uncertain significance for Peroxisome biogenesis disorder, complementation group 7. Last evaluated: 2022-08-16. Review status: criteria provided, single submitter. Criteria: Invitae Variant Classification Sherloc (09022015). Collection method: clinical testing. Allele origin: germline.
Comment: This sequence change replaces leucine, which is neutral and non-polar, with proline, which is neutral and non-polar, at codon 160 of the PEX10 protein (p.Leu160Pro). This variant is present in population databases (rs199877853, gnomAD 0.003%). This variant has not been reported in the literature in individuals affected with PEX10-related conditions. ClinVar contains an entry for this variant (Variation ID: 1404912). Algorithms developed to predict the effect of missense changes on protein structure and function are either unavailable or do not agree on the potential impact of this missense change (SIFT: "Deleterious"; PolyPhen-2: "Probably Damaging"; Align-GVGD: "Class C0"). In summary, the available evidence is currently insufficient to determine the role of this variant in disease. Therefore, it has been classified as a Variant of Uncertain Significance.